The following is an entry in ClinVar:

ClinVar aggregate classification (germline): Likely benign (1 of 4 stars; one submission).

Allele frequency attached by ClinVar (database versions not stated): ExAC 0.00001; gnomAD exomes 0.00001.
gnomAD v4.1: 8 of 1,580,492 alleles (0.00051%); highest among the groups gnomAD compares: Admixed American, 0.0034%; no homozygotes.

Submission:

Women's Health and Genetics/Laboratory Corporation of America, LabCorp
Classification: Likely benign. Last evaluated: 2024-04-08. Review status: criteria provided, single submitter. Criteria: LabCorp Variant Classification Summary - May 2015. Collection method: clinical testing. Allele origin: germline.
Comment: Variant summary: BICRA c.2862C>G alters a non-conserved nucleotide resulting in a synonymous change. Consensus agreement among computation tools predict no significant impact on normal splicing. However, these predictions have yet to be confirmed by functional studies. The variant allele was found at a frequency of 1.8e-05 in 225556 control chromosomes (gnomAD). The available data on variant occurrences in the general population are insufficient to allow any conclusion about variant significance. To our knowledge, no occurrence of c.2862C>G in individuals affected with Coffin-Siris Syndrome 12 and no experimental evidence demonstrating its impact on protein function have been reported. No submitters have cited clinical-significance assessments for this variant to ClinVar. Based on the evidence outlined above, the variant was classified as likely benign.

NM_001394372.1(BICRA):c.2862C>G (p.Pro954=)

Gene: BICRA (BRD4 interacting chromatin remodeling complex associated protein; plus strand). Cytogenetic location: 19q13.33.
Variant type: single nucleotide variant.
Coding change: c.2862C>G on transcript NM_001394372.1 (MANE Select); coding-DNA position 2862, C replaced by G.
Protein change: p.Pro954=; no amino-acid change (proline 954 retained).
Molecular consequence: synonymous variant.
Genome position (GRCh38, 1-based): chr19:47,694,693, C>G. VCF-style: chr19-47694693-C-G. GRCh37 (hg19) VCF-style: chr19-48197950-C-G.
Other names: c.2862C>G, p.Pro954= (NM_015711.3).
Identifiers: ClinVar variation 3251456 (VCV003251456.1), dbSNP rs763416783.